The following is an entry in ClinVar:

ClinVar aggregate classification (germline): Uncertain significance (1 of 4 stars; one submission).

Submission:

Labcorp Genetics (formerly Invitae), Labcorp
Classification: Uncertain significance. Last evaluated: 2024-11-27. Review status: criteria provided, single submitter. Criteria: Invitae Variant Classification Sherloc (09022015). Collection method: clinical testing. Allele origin: germline.
Comment: This sequence change replaces methionine, which is neutral and non-polar, with valine, which is neutral and non-polar, at codon 1443 of the ABCC6 protein (p.Met1443Val). This variant is present in population databases (rs143822047, gnomAD 0.0009%). This variant has not been reported in the literature in individuals affected with ABCC6-related conditions. Invitae Evidence Modeling of protein sequence and biophysical properties (such as structural, functional, and spatial information, amino acid conservation, physicochemical variation, residue mobility, and thermodynamic stability) indicates that this missense variant is not expected to disrupt ABCC6 protein function with a negative predictive value of 95%. In summary, the available evidence is currently insufficient to determine the role of this variant in disease. Therefore, it has been classified as a Variant of Uncertain Significance.

NM_001171.6(ABCC6):c.4327A>G (p.Met1443Val)

Gene: ABCC6 (ATP binding cassette subfamily C member 6; minus strand). Cytogenetic location: 16p13.11.
Variant type: single nucleotide variant.
Coding change: c.4327A>G on transcript NM_001171.6 (MANE Select); coding-DNA position 4327, A replaced by G.
Protein change: p.Met1443Val; replaces methionine 1443 with valine.
Molecular consequence: missense variant. On other transcripts: non-coding transcript variant (1).
Genome position (GRCh38, 1-based): chr16:16,150,654, T>C on the plus strand (A>G on the coding strand, the complement: ABCC6 is on the minus strand). VCF-style: chr16-16150654-T-C. GRCh37 (hg19) VCF-style: chr16-16244511-T-C.
Other names: c.3985A>G, p.Met1329Val (NM_001351800.1); short protein forms M1443V, M1329V.
Identifiers: ClinVar variation 3685079 (VCV003685079.1).
Genomic context (GRCh38, chr16:16,150,654, plus strand): 5'-CGGAGCGCAGGCGGTGGGCAATGAGCAGCACAGTGCACTGTGCAAACCAGCTCCCGAGCA[T>C]GGCCTGCATCTGCAGCTCCGTGCCAGGGTCCACGGCAGCAGTAGCCTCGTCCAGGATGAG-3'
Protein context (NP_001162.5, residues 1433-1453): DPGTELQMQA[Met1443Val]LGSWFAQCTV